The following is an entry in ClinVar:

ClinVar aggregate classification (germline): Benign/Likely benign. Review status: criteria provided, multiple submitters, no conflicts (2 of 4 stars). 2 submissions from 2 submitters: Benign (1); Likely benign (1). Last evaluated 2025-04-09.

Submissions (2):

Molecular Diagnostic Laboratory for Inherited Cardiovascular Disease, Montreal Heart Institute
Classification: Likely benign. Last evaluated: 2025-04-09. Review status: criteria provided, single submitter. Criteria: ACMG Guidelines, 2015. Collection method: clinical testing. Allele origin: germline. Affected: no.

Dasa
Classification: Benign. Last evaluated: 2024-02-20. Review status: criteria provided, single submitter. Criteria: DASA Assertion Criteria. Collection method: clinical testing. Allele origin: germline.
Comment: NM_198060.4(NRAP):c.994-6_994-4dup is interpreted as benign based on a combination of available evidence, which may include population frequency, observations in unaffected individuals, intact protein function, lack of segregation with disease, in silico models, amino acid conservation, lack of disease association in case-control studies, and/or inconsistency with the known disease mechanism or impacted region. Based on the available data, this variant is classified as benign.

NM_198060.4(NRAP):c.994-6_994-4dup

Gene: NRAP (nebulin related anchoring protein; minus strand). Cytogenetic location: 10q25.3.
Variant type: Duplication.
Coding change: c.994-6_994-4dup on transcript NM_198060.4 (MANE Select); 6 bases into the intron before coding-DNA position 994 through 4 bases into the intron before coding-DNA position 994, 3 bases duplicated (TTT; older notation c.994-6_994-4dupTTT).
Molecular consequence: intron variant.
Genome position (GRCh38, 1-based): chr10:113,645,945-113,645,947, AAA duplicated on the plus strand (TTT on the coding strand, the reverse complement: NRAP is on the minus strand); duplicating any 3 consecutive bases within chr10:113,645,945-113,645,954 gives the same sequence; the c. name uses the placement nearest the transcript's 3' end. VCF-style (leftmost placement, unchanged base first): chr10-113645944-G-GAAA. GRCh37 (hg19) VCF-style: chr10-115405703-G-GAAA.
Other names: c.994-6_994-4dup (NM_006175.5, NM_001322945.2, NM_001261463.2).
Identifiers: ClinVar variation 3894740 (VCV003894740.2).